The following is an entry in ClinVar:

ClinVar aggregate classification (germline): Uncertain significance (1 of 4 stars; one submission).

Conditions:
PTCHD1-related disorder. Also called: PTCHD1-related condition.

Submission:

PreventionGenetics, part of Exact Sciences
Classification: Uncertain significance for PTCHD1-related condition. Last evaluated: 2025-07-17. Review status: criteria provided, single submitter. Criteria: ACMG Guidelines, 2015. Collection method: clinical testing. Allele origin: germline.
Comment: The PTCHD1 c.2362_2378delinsGGAAGG variant is predicted to result in a frameshift and premature protein termination (p.Lys788Glyfs*62). To our knowledge, this variant has not been reported in the literature or in a large population database, indicating this variant is rare. At this time, truncating variants have not been established as a disease mechanism for this gene. Although we suspect that this variant may be pathogenic, at this time, the clinical significance of this variant is uncertain due to the absence of conclusive functional and genetic evidence.

NM_173495.3(PTCHD1):c.2362_2378delinsGGAAGG (p.Lys788fs)

Gene: PTCHD1 (patched domain containing 1; plus strand). Cytogenetic location: Xp22.11.
Variant type: Indel.
Coding change: c.2362_2378delinsGGAAGG on transcript NM_173495.3 (MANE Select); coding-DNA positions 2362 to 2378, AAAAATGCCCTGGAAGT replaced by GGAAGG.
Protein change: p.Lys788fs; shifts the reading frame from lysine 788.
Molecular consequence: frameshift variant.
Genome position (GRCh38, 1-based): chrX:23,393,880-23,393,896, AAAAATGCCCTGGAAGT replaced by GGAAGG. VCF-style: chrX-23393880-AAAAATGCCCTGGAAGT-GGAAGG. GRCh37 (hg19) VCF-style: chrX-23411997-AAAAATGCCCTGGAAGT-GGAAGG.
Other names: c.2362_2378del17insGGAAGG, p.Lys788Glyfs (NM_173495.2); short protein forms K788fs.
Identifiers: ClinVar variation 3346125 (VCV003346125.2).